The following is an entry in ClinVar:

NM_000235.4(LIPA):c.860G>A (p.Gly287Glu)

Gene: LIPA (lipase A, lysosomal acid type; minus strand). Cytogenetic location: 10q23.31.
Variant type: single nucleotide variant.
Coding change: c.860G>A on transcript NM_000235.4 (MANE Select); coding-DNA position 860, G replaced by A.
Protein change: p.Gly287Glu; replaces glycine 287 with glutamic acid.
Molecular consequence: missense variant.
Genome position (GRCh38, 1-based): chr10:89,222,545, C>T on the plus strand (G>A on the coding strand, the complement: LIPA is on the minus strand). VCF-style: chr10-89222545-C-T. GRCh37 (hg19) VCF-style: chr10-90982302-C-T.
Other names: c.860G>A, p.Gly287Glu (NM_001440820.1, NM_001440821.1, NM_001440822.1 and 16 more transcripts); c.692G>A, p.Gly231Glu (NM_001440839.1); c.512G>A, p.Gly171Glu (NM_001288979.2); c.992G>A, p.Gly331Glu (NM_001440836.1); c.881G>A, p.Gly294Glu (NM_001440837.1); c.875G>A, p.Gly292Glu (NM_001440838.1); short protein forms G231E, G294E, G171E, G331E, G287E, G292E.
Identifiers: ClinVar variation 4525981 (VCV004525981.2).

ClinVar aggregate classification (germline): Conflicting classifications of pathogenicity. Review status: criteria provided, conflicting classifications (1 of 4 stars). 2 submissions from 2 submitters: Pathogenic (1); Uncertain significance (1). Last evaluated 2026-01-09.

Conditions:
Wolman disease (WOLD). Also called: Wolman disease, CESD; Wolman disease with hypolipoproteinemia and acanthocytosis; LYSOSOMAL ACID LIPASE DEFICIENCY, ACUTE INFANTILE; LYSOSOMAL ACID LIPASE DEFICIENCY, COMPLETE; LIPA DEFICIENCY, COMPLETE; LAL DEFICIENCY, COMPLETE. Identifiers: Orphanet 75233, MedGen C0043208, MONDO:0019148, OMIM 620151.

Submissions (2):

Labcorp Genetics (formerly Invitae), Labcorp
Classification: Pathogenic for Wolman disease. Last evaluated: 2026-01-09. Review status: criteria provided, single submitter. Criteria: Invitae Variant Classification Sherloc (09022015). Collection method: clinical testing. Allele origin: germline.
Comment: This sequence change replaces glycine, which is neutral and non-polar, with glutamic acid, which is acidic and polar, at codon 287 of the LIPA protein (p.Gly287Glu). This variant is not present in population databases (gnomAD no frequency). This missense change has been observed in individual(s) with LIPA-related conditions (PMID: 35385947). In at least one individual the data is consistent with being in trans (on the opposite chromosome) from a pathogenic variant. Invitae Evidence Modeling of protein sequence and biophysical properties (such as structural, functional, and spatial information, amino acid conservation, physicochemical variation, residue mobility, and thermodynamic stability) indicates that this missense variant is expected to disrupt LIPA protein function with a positive predictive value of 95%. For these reasons, this variant has been classified as Pathogenic.

Women's Health and Genetics/Laboratory Corporation of America, LabCorp
Classification: Uncertain significance. Last evaluated: 2025-07-10. Review status: criteria provided, single submitter. Criteria: LabCorp Variant Classification Summary - May 2015. Collection method: clinical testing. Allele origin: germline.
Comment: Variant summary: LIPA c.860G>A (p.Gly287Glu) results in a non-conservative amino acid change in the encoded protein sequence. Algorithms developed to predict the effect of missense changes on protein structure and function all suggest that this variant is likely to be disruptive. The variant was absent in 251206 control chromosomes (gnomAD). The available data on variant occurrences in the general population are insufficient to allow any conclusion about variant significance. c.860G>A has been observed in at least one individual affected with Cholesteryl ester storage disease (Xiao_2022). These data do not allow any conclusion about variant significance. To our knowledge, no experimental evidence demonstrating an impact on protein function has been reported. The following publication have been ascertained in the context of this evaluation (PMID: 35385947). No submitters have cited clinical-significance assessments for this variant to ClinVar. Based on the evidence outlined above, the variant was classified as uncertain significance.

Literature cited by the submitters: PubMed 35385947 (cited by Labcorp Genetics (formerly Invitae), Labcorp and Women's Health and Genetics/Laboratory Corporation of America, LabCorp).